The following is an entry in ClinVar:

NM_001242882.2(NAXD):c.923G>A (p.Arg308His)

Gene: NAXD (NAD(P)HX dehydratase; plus strand). Cytogenetic location: 13q34.
Variant type: single nucleotide variant.
Coding change: c.923G>A on transcript NM_001242882.2 (MANE Select); coding-DNA position 923, G replaced by A.
Protein change: p.Arg308His; replaces arginine 308 with histidine.
Molecular consequence: missense variant. On other transcripts: synonymous variant (1), non-coding transcript variant (2).
Genome position (GRCh38, 1-based): chr13:110,638,461, G>A. VCF-style: chr13-110638461-G-A. GRCh37 (hg19) VCF-style: chr13-111290808-G-A.
Other names: c.977G>A, p.Arg326His (NM_001242881.2); c.647G>A, p.Arg216His (NM_001242883.2); c.1113G>A, p.Ser371= (NM_018210.4); short protein forms R308H, R326H, R216H.
Identifiers: ClinVar variation 1031246 (VCV001031246.1), dbSNP rs199883055, ClinGen allele CA7051458.

ClinVar aggregate classification (germline): Uncertain significance (1 of 4 stars; one submission).

Conditions:
NAD(P)HX dehydratase deficiency. Also called: Encephalopathy, progressive, early-onset, with brain edema and/or leukoencephalopathy, 2. Identifiers: Orphanet 555402, MedGen C5193026, MONDO:0034121, OMIM 618321.

Allele frequency attached by ClinVar (database versions not stated): gnomAD 0.00001; gnomAD exomes 0.00003 and 0.00004; TOPMed 0.00003; ExAC 0.00005; ESP Exome Variant Server 0.00008.

Submission:

Baylor Genetics
Classification: Uncertain significance for NAD(P)HX dehydratase deficiency. Last evaluated: 2020-12-07. Review status: criteria provided, single submitter. Criteria: ACMG Guidelines, 2015. Collection method: clinical testing. Allele origin: unknown. Affected: yes.
Comment: This variant was determined to be of uncertain significance according to ACMG Guidelines, 2015 [PMID:25741868].